The following is an entry in ClinVar:

NM_002437.5(MPV17):c.409-1G>C

Gene: MPV17 (mitochondrial inner membrane protein MPV17; minus strand). Cytogenetic location: 2p23.3.
Variant type: single nucleotide variant.
Coding change: c.409-1G>C on transcript NM_002437.5 (MANE Select); the canonical splice acceptor site of the intron before coding-DNA position 409, G replaced by C.
Molecular consequence: splice acceptor variant.
Genome position (GRCh38, 1-based): chr2:27,311,952, C>G on the plus strand (G>C on the coding strand, the complement: MPV17 is on the minus strand). VCF-style: chr2-27311952-C-G. GRCh37 (hg19) VCF-style: chr2-27534820-C-G.
Identifiers: ClinVar variation 289822 (VCV000289822.7), dbSNP rs886044280, ClinGen allele CA10606566.

ClinVar aggregate classification (germline): Pathogenic/Likely pathogenic. Review status: criteria provided, multiple submitters, no conflicts (2 of 4 stars). 2 submissions from 2 submitters: Pathogenic (1); Likely pathogenic (1). Last evaluated 2024-02-14.

Allele frequency attached by ClinVar (database versions not stated): gnomAD exomes below 0.00001; TOPMed below 0.00001; gnomAD 0.00001.

Submissions (2):

Labcorp Genetics (formerly Invitae), Labcorp
Classification: Likely pathogenic. Last evaluated: 2024-02-14. Review status: criteria provided, single submitter. Criteria: Invitae Variant Classification Sherloc (09022015). Collection method: clinical testing. Allele origin: germline.
Comment: This sequence change affects an acceptor splice site in intron 6 of the MPV17 gene. It is expected to disrupt RNA splicing. Variants that disrupt the donor or acceptor splice site typically lead to a loss of protein function (PMID: 16199547), and loss-of-function variants in MPV17 are known to be pathogenic (PMID: 23714749). The frequency data for this variant in the population databases is considered unreliable, as metrics indicate poor data quality at this position in the gnomAD database. This variant has not been reported in the literature in individuals affected with MPV17-related conditions. ClinVar contains an entry for this variant (Variation ID: 289822). Algorithms developed to predict the effect of sequence changes on RNA splicing suggest that this variant may disrupt the consensus splice site. In summary, the currently available evidence indicates that the variant is pathogenic, but additional data are needed to prove that conclusively. Therefore, this variant has been classified as Likely Pathogenic.

Eurofins Ntd Llc (ga)
Classification: Pathogenic. Last evaluated: 2016-07-26. Review status: criteria provided, single submitter. Criteria: EGL Classification Definitions 2015. Collection method: clinical testing. Allele origin: germline. Observed: 1 variant allele, 1 heterozygote.

Literature cited by the submitters: PubMed 16199547 (cited by Labcorp Genetics (formerly Invitae), Labcorp); PubMed 23714749 (cited by Labcorp Genetics (formerly Invitae), Labcorp).